The following is an entry in ClinVar:

GRCh38/hg38 17q25.3(chr17:82884871-83086677)x3

Genes: B3GNTL1 (UDP-GlcNAc:betaGal beta-1,3-N-acetylglucosaminyltransferase like 1), METRNL (meteorin like, glial cell differentiation regulator), TBCD (tubulin folding cofactor D), LOC121852957 (Sharpr-MPRA regulatory region 7018), LOC126862673 (CDK7 strongly-dependent group 2 enhancer GRCh37_chr17:80877734-80878933; plus strand) and 2 more. Cytogenetic location: 17q25.3.
Variant type: copy number gain.
Change: copy number 3 (three copies instead of two) of chr17:82,884,871-83,086,677 (201.8 kb, GRCh38 coordinates, 1-based), cytogenetic band 17q25.3.
Identifiers: ClinVar variation 57371 (VCV000057371.1).

ClinVar aggregate classification (germline): Uncertain significance (1 of 4 stars; one submission).

Submission:

ISCA site 4
Classification: Uncertain significance. Last evaluated: 2011-08-12. Review status: criteria provided, single submitter. Criteria: Kaminsky et al. (Genet Med. 2011). Collection method: clinical testing. Allele origin: unknown. Affected: yes. Observed: 1 variant allele.
Comment: Copy number variation identified through the course of routine clinical cytogenomic testing in postnatal populations. Clinical assertions have been curated as described in Kaminsky et al. 2011.